The following is an entry in ClinVar:

ClinVar aggregate classification (germline): Uncertain significance (1 of 4 stars; one submission).

Submission:

Labcorp Genetics (formerly Invitae), Labcorp
Classification: Uncertain significance. Last evaluated: 2025-02-25. Review status: criteria provided, single submitter. Criteria: Invitae Variant Classification Sherloc (09022015). Collection method: clinical testing. Allele origin: germline.
Comment: This sequence change replaces methionine, which is neutral and non-polar, with valine, which is neutral and non-polar, at codon 120 of the LAMB3 protein (p.Met120Val). This variant is not present in population databases (gnomAD no frequency). This variant has not been reported in the literature in individuals affected with LAMB3-related conditions. An algorithm developed to predict the effect of missense changes on protein structure and function (PolyPhen-2) suggests that this variant is likely to be tolerated. In summary, the available evidence is currently insufficient to determine the role of this variant in disease. Therefore, it has been classified as a Variant of Uncertain Significance.

NM_000228.3(LAMB3):c.358A>G (p.Met120Val)

Gene: LAMB3 (laminin subunit beta 3; minus strand). Cytogenetic location: 1q32.2.
Variant type: single nucleotide variant.
Coding change: c.358A>G on transcript NM_000228.3 (MANE Select); coding-DNA position 358, A replaced by G.
Protein change: p.Met120Val; replaces methionine 120 with valine.
Molecular consequence: missense variant.
Genome position (GRCh38, 1-based): chr1:209,637,922, T>C on the plus strand (A>G on the coding strand, the complement: LAMB3 is on the minus strand). VCF-style: chr1-209637922-T-C. GRCh37 (hg19) VCF-style: chr1-209811267-T-C.
Other names: c.358A>G, p.Met120Val (NM_001017402.2, NM_001127641.1); short protein forms M120V.
Identifiers: ClinVar variation 4772994 (VCV004772994.1).